The following is an entry in ClinVar:

ClinVar aggregate classification (germline): Pathogenic/Likely pathogenic. Review status: criteria provided, multiple submitters, no conflicts (2 of 4 stars). 3 submissions from 3 submitters: Pathogenic (1); Likely pathogenic (2). Last evaluated 2025-03-26.

Conditions:
Congenital lactic acidosis, Saguenay-Lac-Saint-Jean type (MC4DN5). Also called: CYTOCHROME c OXIDASE DEFICIENCY, FRENCH CANADIAN TYPE; COX DEFICIENCY, FRENCH CANADIAN TYPE; MITOCHONDRIAL COMPLEX IV DEFICIENCY, NUCLEAR TYPE 5. Identifiers: Orphanet 70472, MedGen C1857355, MONDO:0009069, OMIM 220111.

Submissions (3):

Natera, Inc.
Classification: Likely pathogenic for French-Canadian type Leigh syndrome. Last evaluated: 2025-03-26. Review status: criteria provided, single submitter. Criteria: Natera Variant Classification Schema (03/2026). Collection method: clinical testing. Allele origin: germline.
Comment: The c.2986_3001delTTAGCAGAAATCCTTA variant in LRPPRC is a frameshift variant predicted to shift the reading frame beginning at codon 996 and leads to a stop codon 23 codons downstream. This variant is expected to result in nonsense mediated decay, truncation, or a dysfunctional protein product. This variant is rare in the general population with a frequency below the threshold expected for the associated phenotype(s). Given the available evidence, this variant is classified as Likely Pathogenic.

Baylor Genetics
Classification: Likely pathogenic for Congenital lactic acidosis, Saguenay-Lac-Saint-Jean type. Last evaluated: 2023-10-22. Review status: criteria provided, single submitter. Criteria: ACMG Guidelines, 2015. Collection method: clinical testing. Allele origin: unknown.

Labcorp Genetics (formerly Invitae), Labcorp
Classification: Pathogenic. Last evaluated: 2023-07-24. Review status: criteria provided, single submitter. Criteria: Invitae Variant Classification Sherloc (09022015). Collection method: clinical testing. Allele origin: germline.
Comment: This sequence change creates a premature translational stop signal (p.Leu996Glufs*23) in the LRPPRC gene. It is expected to result in an absent or disrupted protein product. Loss-of-function variants in LRPPRC are known to be pathogenic (PMID: 26510951). This variant is present in population databases (no rsID available, gnomAD 0.007%). This variant has not been reported in the literature in individuals affected with LRPPRC-related conditions. For these reasons, this variant has been classified as Pathogenic.

Literature cited by the submitters: PubMed 26510951 (cited by Labcorp Genetics (formerly Invitae), Labcorp).

NM_133259.4(LRPPRC):c.2986_3001del (p.Leu996fs)

Gene: LRPPRC (leucine rich pentatricopeptide repeat containing; minus strand). Cytogenetic location: 2p21.
Variant type: Deletion.
Coding change: c.2986_3001del on transcript NM_133259.4 (MANE Select); coding-DNA positions 2986 to 3001, 16 bases deleted (TTAGCAGAAATCCTTA).
Protein change: p.Leu996fs; shifts the reading frame from leucine 996.
Molecular consequence: frameshift variant.
Genome position (GRCh38, 1-based): chr2:43,918,294-43,918,309, TAAGGATTTCTGCTAA deleted on the plus strand (TTAGCAGAAATCCTTA on the coding strand, the reverse complement: LRPPRC is on the minus strand); deleting any 16 consecutive bases within chr2:43,918,294-43,918,312 gives the same sequence; the c. name uses the placement nearest the transcript's 3' end. VCF-style (leftmost placement, unchanged base first): chr2-43918293-CTAAGGATTTCTGCTAA-C. GRCh37 (hg19) VCF-style: chr2-44145432-CTAAGGATTTCTGCTAA-C.
Other names: c.2986_3001delTTAGCAGAAATCCTTA (NM_133259.3); short protein forms L996fs.
Identifiers: ClinVar variation 2676292 (VCV002676292.5), dbSNP rs1390956301, ClinGen allele CA532278633.
Genomic context (GRCh38, chr2:43,918,293, plus strand): 5'-ACGATTATGCCAAAAACAATTACCTCAGGTACGTCAAACGGAACTTCCTGGTTACCCTCT[CTAAGGATTTCTGCTAA>C]TAATCTTAATGTCTTTTCACGAGGAATAACATTTTCTTCTTGGATTTTATTCCAGACTGC-3'